The following is an entry in ClinVar:

NM_005633.4(SOS1):c.1206A>C (p.Glu402Asp)

Gene: SOS1 (SOS Ras/Rac guanine nucleotide exchange factor 1; minus strand). Cytogenetic location: 2p22.1.
Variant type: single nucleotide variant.
Coding change: c.1206A>C on transcript NM_005633.4 (MANE Select); coding-DNA position 1206, A replaced by C.
Protein change: p.Glu402Asp; replaces glutamic acid 402 with aspartic acid.
Molecular consequence: missense variant.
Genome position (GRCh38, 1-based): chr2:39,023,222, T>G on the plus strand (A>C on the coding strand, the complement: SOS1 is on the minus strand). VCF-style: chr2-39023222-T-G. GRCh37 (hg19) VCF-style: chr2-39250363-T-G.
Other names: c.1185A>C, p.Glu395Asp (NM_001382394.1); c.1206A>C, p.Glu402Asp (NM_001382395.1); short protein forms E395D, E402D.
Identifiers: ClinVar variation 2813717 (VCV002813717.3), dbSNP rs2529038362, ClinGen allele CA346366712.
Genomic context (GRCh38, chr2:39,023,222, plus strand): 5'-CATCTTCTTGATTGCTAGTTGTTTCCCCTTCATTTGCTGACTATAAAACCGACATGCAGA[T>G]TCACTGGAATAAAGAAAAAGACATTATTAGTACATAGATGACAGAAAACCTAGAGCTCAT-3'
Protein context (NP_005624.2, residues 392-412): SKSLAKRRLS[Glu402Asp]SACRFYSQQM

ClinVar aggregate classification (germline): Uncertain significance (1 of 4 stars; one submission).

Conditions:
RASopathy. Also called: Noonan spectrum disorder; rasopathies. Identifiers: Orphanet 536391, MedGen C5555857, MONDO:0021060.

Allele frequency attached by ClinVar (database versions not stated): gnomAD exomes below 0.00001.
gnomAD v4.1: 1 of 1,611,418 alleles (0.000062%); highest among the groups gnomAD compares: Non-Finnish European, 0.000085%; no homozygotes.

Submission:

Labcorp Genetics (formerly Invitae), Labcorp
Classification: Uncertain significance for RASopathy. Last evaluated: 2022-11-12. Review status: criteria provided, single submitter. Criteria: Invitae Variant Classification Sherloc (09022015). Collection method: clinical testing. Allele origin: germline.
Comment: This variant is not present in population databases (gnomAD no frequency). This variant has not been reported in the literature in individuals affected with SOS1-related conditions. Advanced modeling of protein sequence and biophysical properties (such as structural, functional, and spatial information, amino acid conservation, physicochemical variation, residue mobility, and thermodynamic stability) performed at Invitae indicates that this missense variant is not expected to disrupt SOS1 protein function. In summary, the available evidence is currently insufficient to determine the role of this variant in disease. Therefore, it has been classified as a Variant of Uncertain Significance. This sequence change replaces glutamic acid, which is acidic and polar, with aspartic acid, which is acidic and polar, at codon 402 of the SOS1 protein (p.Glu402Asp).